The following is an entry in ClinVar:

ClinVar aggregate classification (germline): Uncertain significance (1 of 4 stars; one submission).

gnomAD v4.1: 11 of 1,457,668 alleles (0.00075%); highest among the groups gnomAD compares: Middle Eastern, 0.055%; no homozygotes.

Submission:

Labcorp Genetics (formerly Invitae), Labcorp
Classification: Uncertain significance. Last evaluated: 2022-04-23. Review status: criteria provided, single submitter. Criteria: Invitae Variant Classification Sherloc (09022015). Collection method: clinical testing. Allele origin: germline.
Comment: In summary, the available evidence is currently insufficient to determine the role of this variant in disease. Therefore, it has been classified as a Variant of Uncertain Significance. Algorithms developed to predict the effect of missense changes on protein structure and function output the following: SIFT: "Deleterious"; PolyPhen-2: "Not Available"; Align-GVGD: "Class C65". The glutamic acid amino acid residue is found in multiple mammalian species, which suggests that this missense change does not adversely affect protein function. This variant has not been reported in the literature in individuals affected with ACAN-related conditions. This variant is not present in population databases (gnomAD no frequency). This sequence change replaces glycine, which is neutral and non-polar, with glutamic acid, which is acidic and polar, at codon 470 of the ACAN protein (p.Gly470Glu).

NM_001369268.1(ACAN):c.1409G>A (p.Gly470Glu)

Gene: ACAN (aggrecan; plus strand). Cytogenetic location: 15q26.1.
Variant type: single nucleotide variant.
Coding change: c.1409G>A on transcript NM_001369268.1 (MANE Select); coding-DNA position 1409, G replaced by A.
Protein change: p.Gly470Glu; replaces glycine 470 with glutamic acid.
Molecular consequence: missense variant.
Genome position (GRCh38, 1-based): chr15:88,845,862, G>A. VCF-style: chr15-88845862-G-A. GRCh37 (hg19) VCF-style: chr15-89389093-G-A.
Other names: c.1409G>A, p.Gly470Glu (NM_001135.4, NM_001411096.1, NM_001411097.1 and 1 more transcripts); short protein forms G470E.
Identifiers: ClinVar variation 2127675 (VCV002127675.4), dbSNP rs749892328, ClinGen allele CA7719535.